The following is an entry in ClinVar:

ClinVar aggregate classification (germline): Uncertain significance (1 of 4 stars; one submission).

Submission:

Labcorp Genetics (formerly Invitae), Labcorp
Classification: Uncertain significance. Last evaluated: 2022-10-16. Review status: criteria provided, single submitter. Criteria: Invitae Variant Classification Sherloc (09022015). Collection method: clinical testing. Allele origin: germline.
Comment: This sequence change replaces serine, which is neutral and polar, with proline, which is neutral and non-polar, at codon 492 of the CLCN6 protein (p.Ser492Pro). In summary, the available evidence is currently insufficient to determine the role of this variant in disease. Therefore, it has been classified as a Variant of Uncertain Significance. Algorithms developed to predict the effect of missense changes on protein structure and function (SIFT, PolyPhen-2, Align-GVGD) all suggest that this variant is likely to be disruptive. This variant has not been reported in the literature in individuals affected with CLCN6-related conditions. This variant is not present in population databases (gnomAD no frequency).

NM_001286.5(CLCN6):c.1474T>C (p.Ser492Pro)

Gene: CLCN6 (chloride voltage-gated channel 6; plus strand). Cytogenetic location: 1p36.22.
Variant type: single nucleotide variant.
Coding change: c.1474T>C on transcript NM_001286.5 (MANE Select); coding-DNA position 1474, T replaced by C.
Protein change: p.Ser492Pro; replaces serine 492 with proline.
Molecular consequence: missense variant. On other transcripts: non-coding transcript variant (1).
Genome position (GRCh38, 1-based): chr1:11,833,978, T>C. VCF-style: chr1-11833978-T-C. GRCh37 (hg19) VCF-style: chr1-11894035-T-C.
Other names: c.1408T>C, p.Ser470Pro (NM_001256959.2); short protein forms S470P, S492P.
Identifiers: ClinVar variation 2133494 (VCV002133494.4), dbSNP rs2523153891, ClinGen allele CA338435561.